The following is an entry in ClinVar:

NM_005573.4(LMNB1):c.983T>G (p.Leu328Arg)

Gene: LMNB1 (lamin B1; plus strand). Cytogenetic location: 5q23.2.
Variant type: single nucleotide variant.
Coding change: c.983T>G on transcript NM_005573.4 (MANE Select); coding-DNA position 983, T replaced by G.
Protein change: p.Leu328Arg; replaces leucine 328 with arginine.
Molecular consequence: missense variant. On other transcripts: non-coding transcript variant (2).
Genome position (GRCh38, 1-based): chr5:126,818,965, T>G. VCF-style: chr5-126818965-T-G. GRCh37 (hg19) VCF-style: chr5-126154657-T-G.
Other names: c.353T>G, p.Leu118Arg (NM_001198557.2); short protein forms L118R, L328R.
Identifiers: ClinVar variation 4538880 (VCV004538880.1).

ClinVar aggregate classification (germline): Uncertain significance (1 of 4 stars; one submission).

Submission:

GeneDx
Classification: Uncertain significance. Last evaluated: 2025-06-16. Review status: criteria provided, single submitter. Criteria: GeneDx Variant Classification Process June 2021. Collection method: clinical testing. Allele origin: germline. Affected: yes.
Comment: Not observed at significant frequency in large population cohorts (gnomAD); In silico analysis supports that this missense variant has a deleterious effect on protein structure/function; Has not been previously published as pathogenic or benign to our knowledge